The following is an entry in ClinVar:

ClinVar aggregate classification (germline): Uncertain significance. Review status: criteria provided, multiple submitters, no conflicts (2 of 4 stars). 2 submissions from 2 submitters: Uncertain significance (2). Last evaluated 2025-10-02.

Conditions:
Baller-Gerold syndrome (BGS). Also called: CRANIOSYNOSTOSIS WITH RADIAL DEFECTS. Identifiers: Orphanet 1225, MedGen C0265308, MONDO:0009039, OMIM 218600.
Inborn genetic diseases. Identifiers: MedGen C0950123, MeSH D030342.

Allele frequency attached by ClinVar (database versions not stated): gnomAD exomes below 0.00001; ExAC 0.00001.
gnomAD v4.1: 1 of 1,612,424 alleles (0.000062%); highest among the groups gnomAD compares: East Asian, 0.0022%; no homozygotes.

Submissions (2):

Ambry Genetics
Classification: Uncertain significance for Inborn genetic diseases. Last evaluated: 2025-10-02. Review status: criteria provided, single submitter. Criteria: Ambry Variant Classification Scheme 2023. Collection method: clinical testing. Allele origin: germline.
Comment: The p.G1023E variant (also known as c.3068G>A), located in coding exon 18 of the RECQL4 gene, results from a G to A substitution at nucleotide position 3068. The glycine at codon 1023 is replaced by glutamic acid, an amino acid with similar properties. This amino acid position is conserved. In addition, this alteration is predicted to be tolerated by in silico analysis. Based on the available evidence, the clinical significance of this variant remains unclear.

Labcorp Genetics (formerly Invitae), Labcorp
Classification: Uncertain significance for Baller-Gerold syndrome. Last evaluated: 2023-12-14. Review status: criteria provided, single submitter. Criteria: Invitae Variant Classification Sherloc (09022015). Collection method: clinical testing. Allele origin: germline.
Comment: This sequence change replaces glycine, which is neutral and non-polar, with glutamic acid, which is acidic and polar, at codon 1023 of the RECQL4 protein (p.Gly1023Glu). The frequency data for this variant in the population databases is considered unreliable, as metrics indicate poor data quality at this position in the gnomAD database. This variant has not been reported in the literature in individuals affected with RECQL4-related conditions. ClinVar contains an entry for this variant (Variation ID: 1350648). Advanced modeling of protein sequence and biophysical properties (such as structural, functional, and spatial information, amino acid conservation, physicochemical variation, residue mobility, and thermodynamic stability) performed at Invitae indicates that this missense variant is not expected to disrupt RECQL4 protein function with a negative predictive value of 80%. In summary, the available evidence is currently insufficient to determine the role of this variant in disease. Therefore, it has been classified as a Variant of Uncertain Significance.

NM_004260.4(RECQL4):c.3068G>A (p.Gly1023Glu)

Gene: RECQL4 (RecQ like helicase 4; minus strand). Cytogenetic location: 8q24.3.
Variant type: single nucleotide variant.
Coding change: c.3068G>A on transcript NM_004260.4 (MANE Select); coding-DNA position 3068, G replaced by A.
Protein change: p.Gly1023Glu; replaces glycine 1023 with glutamic acid.
Molecular consequence: missense variant.
Genome position (GRCh38, 1-based): chr8:144,512,312, C>T on the plus strand (G>A on the coding strand, the complement: RECQL4 is on the minus strand). VCF-style: chr8-144512312-C-T. GRCh37 (hg19) VCF-style: chr8-145737695-C-T.
Other names: c.3068G>A (NM_004260.3); short protein forms G1023E.
Identifiers: ClinVar variation 1350648 (VCV001350648.7), dbSNP rs764657835, ClinGen allele CA4947937.
Genomic context (GRCh38, chr8:144,512,312, plus strand): 5'-AAGTCCCCCGGGCTGCGAAGGTGGAAGGCCAGCTCACTGAACTCCACAAGCACCCCTGTC[C>T]CACGCCGCACACCTGCCGGAAAGCATGTCAGATGCAGGCAGGCAGCGTCCAGGGCGGTGT-3'
Protein context (NP_004251.4, residues 1013-1033): DHEPRTGVRR[Gly1023Glu]TGVLVEFSEL